The following is an entry in ClinVar:

NM_000388.4(CASR):c.*9_*11del

Gene: CASR (calcium sensing receptor; plus strand). Cytogenetic location: 3q21.1.
Variant type: Deletion.
Coding change: c.*9_*11del on transcript NM_000388.4 (MANE Select); 9 bases downstream of the stop codon through 11 bases downstream of the stop codon, 3 bases deleted (GAG; older notation c.*9_*11delGAG).
Molecular consequence: 3 prime UTR variant.
Genome position (GRCh38, 1-based): chr3:122,285,200-122,285,202, GAG deleted; deleting any 3 consecutive bases within chr3:122,285,198-122,285,202 gives the same sequence; the c. name uses the placement nearest the transcript's 3' end. VCF-style (leftmost placement, unchanged base first): chr3-122285197-AAGG-A. GRCh37 (hg19) VCF-style: chr3-122004044-AAGG-A.
Other names: p.?; c.*9_*11del (NM_001178065.2).
Identifiers: ClinVar variation 3054948 (VCV003054948.3), dbSNP rs774126172, ClinGen allele CA2569951.

ClinVar aggregate classification (germline): Likely benign. Review status: criteria provided, single submitter (1 of 4 stars). 2 submissions from 2 submitters: Likely benign (1). 1 of the submissions does not count toward it. Last evaluated 2025-11-12.

Conditions:
CASR-related disorder. Also called: CASR-related condition.

Submissions (2):

Mayo Clinic Laboratories, Mayo Clinic
Classification: Likely benign. Last evaluated: 2025-11-12. Review status: criteria provided, single submitter. Criteria: ACMG Guidelines, 2015. Collection method: clinical testing. Allele origin: germline. Observed: 1 variant allele.
Comment: BP4, BP7

PreventionGenetics, part of Exact Sciences
Classification: Likely benign for CASR-related condition. Last evaluated: 2021-06-28. Review status: no assertion criteria provided. Collection method: clinical testing. Allele origin: germline. Not counted in ClinVar's aggregate classification.
Comment: This variant is classified as likely benign based on ACMG/AMP sequence variant interpretation guidelines (Richards et al. 2015 PMID: 25741868, with internal and published modifications).